The following is an entry in ClinVar:

ClinVar aggregate classification (germline): Uncertain significance (1 of 4 stars; one submission).

Conditions:
Charcot-Marie-Tooth disease type 2. Also called: Charcot-Marie-Tooth type 2. Identifiers: Orphanet 64746, MedGen C0270914, MONDO:0018993.

Submission:

Labcorp Genetics (formerly Invitae), Labcorp
Classification: Uncertain significance for Charcot-Marie-Tooth disease type 2. Last evaluated: 2020-12-09. Review status: criteria provided, single submitter. Criteria: Invitae Variant Classification Sherloc (09022015). Collection method: clinical testing. Allele origin: germline.
Comment: In summary, the available evidence is currently insufficient to determine the role of this variant in disease. Therefore, it has been classified as a Variant of Uncertain Significance. Algorithms developed to predict the effect of missense changes on protein structure and function are either unavailable or do not agree on the potential impact of this missense change (SIFT: "Deleterious"; PolyPhen-2: "Probably Damaging"; Align-GVGD: "Class C0"). This variant has not been reported in the literature in individuals with MED25-related conditions. This variant is not present in population databases (ExAC no frequency). This sequence change replaces leucine with proline at codon 169 of the MED25 protein (p.Leu169Pro). The leucine residue is highly conserved and there is a moderate physicochemical difference between leucine and proline.

NM_030973.4(MED25):c.506T>C (p.Leu169Pro)

Gene: MED25 (mediator complex subunit 25; plus strand). Cytogenetic location: 19q13.33.
Variant type: single nucleotide variant.
Coding change: c.506T>C on transcript NM_030973.4 (MANE Select); coding-DNA position 506, T replaced by C.
Protein change: p.Leu169Pro; replaces leucine 169 with proline.
Molecular consequence: missense variant.
Genome position (GRCh38, 1-based): chr19:49,829,071, T>C. VCF-style: chr19-49829071-T-C. GRCh37 (hg19) VCF-style: chr19-50332328-T-C.
Other names: c.506T>C, p.Leu169Pro (NM_001378355.1); short protein forms L169P.
Identifiers: ClinVar variation 1497334 (VCV001497334.8), dbSNP rs2123876804, ClinGen allele CA406912360.